The following is an entry in ClinVar:

ClinVar aggregate classification (germline): Uncertain significance. Review status: criteria provided, multiple submitters, no conflicts (2 of 4 stars). 2 submissions from 2 submitters: Uncertain significance (2). Last evaluated 2024-05-20.

Conditions:
Inborn genetic diseases. Identifiers: MedGen C0950123, MeSH D030342.

Allele frequency attached by ClinVar (database versions not stated): TOPMed below 0.00001; gnomAD 0.00001.
gnomAD v4.1: 10 of 1,614,084 alleles (0.00062%); highest among the groups gnomAD compares: East Asian, 0.0089%; no homozygotes.

Submissions (2):

Ambry Genetics
Classification: Uncertain significance for Inborn genetic diseases. Last evaluated: 2024-05-20. Review status: criteria provided, single submitter. Criteria: Ambry Variant Classification Scheme 2023. Collection method: clinical testing. Allele origin: germline.

Labcorp Genetics (formerly Invitae), Labcorp
Classification: Uncertain significance. Last evaluated: 2022-09-19. Review status: criteria provided, single submitter. Criteria: Invitae Variant Classification Sherloc (09022015). Collection method: clinical testing. Allele origin: germline.
Comment: This sequence change replaces serine, which is neutral and polar, with arginine, which is basic and polar, at codon 1279 of the LTBP2 protein (p.Ser1279Arg). This variant is present in population databases (rs747855839, gnomAD 0.01%). This variant has not been reported in the literature in individuals affected with LTBP2-related conditions. ClinVar contains an entry for this variant (Variation ID: 1429479). Algorithms developed to predict the effect of missense changes on protein structure and function (SIFT, PolyPhen-2, Align-GVGD) all suggest that this variant is likely to be disruptive. In summary, the available evidence is currently insufficient to determine the role of this variant in disease. Therefore, it has been classified as a Variant of Uncertain Significance.

NM_000428.3(LTBP2):c.3837C>A (p.Ser1279Arg)

Gene: LTBP2 (latent transforming growth factor beta binding protein 2; minus strand). Cytogenetic location: 14q24.3.
Variant type: single nucleotide variant.
Coding change: c.3837C>A on transcript NM_000428.3 (MANE Select); coding-DNA position 3837, C replaced by A.
Protein change: p.Ser1279Arg; replaces serine 1279 with arginine.
Molecular consequence: missense variant.
Genome position (GRCh38, 1-based): chr14:74,507,249, G>T on the plus strand (C>A on the coding strand, the complement: LTBP2 is on the minus strand). VCF-style: chr14-74507249-G-T. GRCh37 (hg19) VCF-style: chr14-74973952-G-T.
Other names: c.3837C>A (NM_000428.2); short protein forms S1279R.
Identifiers: ClinVar variation 1429479 (VCV001429479.4), dbSNP rs747855839, ClinGen allele CA7269019.